The following is an entry in ClinVar:

NM_001037131.3(AGAP1):c.1687G>A (p.Gly563Ser)

Gene: AGAP1 (ArfGAP with GTPase domain, ankyrin repeat and PH domain 1; plus strand). Cytogenetic location: 2q37.2.
Variant type: single nucleotide variant.
Coding change: c.1687G>A on transcript NM_001037131.3 (MANE Select); coding-DNA position 1687, G replaced by A.
Protein change: p.Gly563Ser; replaces glycine 563 with serine.
Molecular consequence: missense variant.
Genome position (GRCh38, 1-based): chr2:236,036,602, G>A. VCF-style: chr2-236036602-G-A. GRCh37 (hg19) VCF-style: chr2-236945246-G-A.
Other names: c.1528G>A, p.Gly510Ser (NM_014914.5); short protein forms G510S, G563S.
Identifiers: ClinVar variation 2150360 (VCV002150360.4), dbSNP rs1232006042, ClinGen allele CA351166092.

ClinVar aggregate classification (germline): Uncertain significance (1 of 4 stars; one submission).

Allele frequency attached by ClinVar (database versions not stated): gnomAD exomes below 0.00001; TOPMed below 0.00001; gnomAD 0.00001.
gnomAD v4.1: 5 of 1,614,092 alleles (0.00031%); highest among the groups gnomAD compares: South Asian, 0.0011%; no homozygotes.

Submission:

Labcorp Genetics (formerly Invitae), Labcorp
Classification: Uncertain significance. Last evaluated: 2024-01-02. Review status: criteria provided, single submitter. Criteria: Invitae Variant Classification Sherloc (09022015). Collection method: clinical testing. Allele origin: germline.
Comment: This sequence change replaces glycine, which is neutral and non-polar, with serine, which is neutral and polar, at codon 510 of the AGAP1 protein (p.Gly510Ser). This variant is present in population databases (no rsID available, gnomAD 0.002%). This variant has not been reported in the literature in individuals affected with AGAP1-related conditions. ClinVar contains an entry for this variant (Variation ID: 2150360). An algorithm developed to predict the effect of missense changes on protein structure and function (PolyPhen-2) suggests that this variant is likely to be tolerated. Algorithms developed to predict the effect of sequence changes on RNA splicing suggest that this variant may disrupt the consensus splice site. In summary, the available evidence is currently insufficient to determine the role of this variant in disease. Therefore, it has been classified as a Variant of Uncertain Significance.